The following is an entry in ClinVar:

ClinVar aggregate classification (germline): Uncertain significance (1 of 4 stars; one submission).

Conditions:
Spastic paraplegia. Identifiers: MedGen C0037772, HP:0001258.

Allele frequency attached by ClinVar (database versions not stated): TOPMed below 0.00001.
gnomAD v4.1: 1 of 1,443,390 alleles (0.000069%); highest among the groups gnomAD compares: Non-Finnish European, 0.000091%; no homozygotes.

Submission:

Labcorp Genetics (formerly Invitae), Labcorp
Classification: Uncertain significance for Spastic paraplegia. Last evaluated: 2022-02-25. Review status: criteria provided, single submitter. Criteria: Invitae Variant Classification Sherloc (09022015). Collection method: clinical testing. Allele origin: germline.
Comment: In summary, the available evidence is currently insufficient to determine the role of this variant in disease. Therefore, it has been classified as a Variant of Uncertain Significance. This sequence change replaces threonine, which is neutral and polar, with asparagine, which is neutral and polar, at codon 27 of the B4GALNT1 protein (p.Thr27Asn). This variant is not present in population databases (gnomAD no frequency). This variant has not been reported in the literature in individuals affected with B4GALNT1-related conditions. Algorithms developed to predict the effect of missense changes on protein structure and function output the following: SIFT: "Tolerated"; PolyPhen-2: "Benign"; Align-GVGD: "Class C0". The asparagine amino acid residue is found in multiple mammalian species, which suggests that this missense change does not adversely affect protein function.

NM_001478.5(B4GALNT1):c.80C>A (p.Thr27Asn)

Gene: B4GALNT1 (beta-1,4-N-acetyl-galactosaminyltransferase 1; minus strand). Cytogenetic location: 12q13.3.
Variant type: single nucleotide variant.
Coding change: c.80C>A on transcript NM_001478.5 (MANE Select); coding-DNA position 80, C replaced by A.
Protein change: p.Thr27Asn; replaces threonine 27 with asparagine.
Molecular consequence: missense variant.
Genome position (GRCh38, 1-based): chr12:57,632,053, G>T on the plus strand (C>A on the coding strand, the complement: B4GALNT1 is on the minus strand). VCF-style: chr12-57632053-G-T. GRCh37 (hg19) VCF-style: chr12-58025836-G-T.
Other names: c.80C>A, p.Thr27Asn (NM_001276468.2, NM_001276469.2, NM_001413967.1 and 11 more transcripts); c.-824C>A (NM_001413981.1, NM_001413982.1, NM_001413983.1 and 1 more transcripts); short protein forms T27N.
Identifiers: ClinVar variation 2140439 (VCV002140439.4), dbSNP rs1408032467, ClinGen allele CA385503163.
Genomic context (GRCh38, chr12:57,632,053, plus strand): 5'-CGGGGGCTTTGCGGGGGCGCCCACGGCGCAAGAGGTAGCCGGAGGCCGGGCGCGTCCCGG[G>T]TGCTCGCGTACAGGAGCCCCAGCGAGGCGCAGGCGAGCAGAAGGACCAGAGCGCACAGGG-3'
Protein context (NP_001469.1, residues 17-37): CASLGLLYAS[Thr27Asn]RDAPGLRLPL